The following is an entry in ClinVar:

ClinVar aggregate classification (germline): Likely pathogenic (1 of 4 stars; one submission).

Conditions:
Hereditary spastic paraplegia 7 (SPG7). Also called: Autosomal recessive spastic paraplegia type 7; SPASTIC PARAPLEGIA 7, AUTOSOMAL RECESSIVE, WITH OR WITHOUT CEREBELLAR ATAXIA; Spastic paraplegia 7; Hereditary spastic paraplegia Paraplegin type; SPG7-related neurologic disorder. Identifiers: Orphanet 99013, MedGen C1846564, MONDO:0011803, OMIM 607259.

Submission:

PROSPAX: an integrated multimodal progression  chart in spastic ataxias, Center for Neurology; Hertie-Institute for Clinical Brain Research
Classification: Likely pathogenic for Hereditary spastic paraplegia 7. Last evaluated: 2022-01-01. Review status: criteria provided, single submitter. Criteria: ACMG Guidelines, 2015. Collection method: research. Allele origin: germline. Affected: yes.
Comment: Variant seen in compound het: [c.2215_2217delAACinsTAG;c.1529C>T]

NM_003119.4(SPG7):c.2215_2217delinsTAG (p.Asn739Ter)

Gene: SPG7 (SPG7 matrix AAA peptidase subunit, paraplegin; plus strand). Cytogenetic location: 16q24.3.
Variant type: Indel.
Coding change: c.2215_2217delinsTAG on transcript NM_003119.4 (MANE Select); coding-DNA positions 2215 to 2217, AAC replaced by TAG.
Protein change: p.Asn739Ter; replaces asparagine 739 with a stop codon.
Molecular consequence: nonsense. On other transcripts: missense variant (1).
Genome position (GRCh38, 1-based): chr16:89,556,920-89,556,922, AAC replaced by TAG. VCF-style: chr16-89556920-AAC-TAG. GRCh37 (hg19) VCF-style: chr16-89623328-AAC-TAG.
Other names: c.2423_2425delinsTAG, p.Lys808_Leu809delinsIleVal (NM_001363850.1); short protein forms N739*.
Identifiers: ClinVar variation 3242478 (VCV003242478.1).